The following is an entry in ClinVar:

NM_002439.5(MSH3):c.2375T>C (p.Leu792Pro)

Gene: MSH3 (mutS homolog 3; plus strand). Cytogenetic location: 5q14.1.
Variant type: single nucleotide variant.
Coding change: c.2375T>C on transcript NM_002439.5 (MANE Select); coding-DNA position 2375, T replaced by C.
Protein change: p.Leu792Pro; replaces leucine 792 with proline.
Molecular consequence: missense variant.
Genome position (GRCh38, 1-based): chr5:80,778,776, T>C. VCF-style: chr5-80778776-T-C. GRCh37 (hg19) VCF-style: chr5-80074595-T-C.
Other names: short protein forms L792P.
Identifiers: ClinVar variation 3669256 (VCV003669256.2).

ClinVar aggregate classification (germline): Uncertain significance (1 of 4 stars; one submission).

Submission:

Labcorp Genetics (formerly Invitae), Labcorp
Classification: Uncertain significance. Last evaluated: 2024-11-07. Review status: criteria provided, single submitter. Criteria: Invitae Variant Classification Sherloc (09022015). Collection method: clinical testing. Allele origin: germline.
Comment: This sequence change replaces leucine, which is neutral and non-polar, with proline, which is neutral and non-polar, at codon 792 of the MSH3 protein (p.Leu792Pro). This variant is not present in population databases (gnomAD no frequency). This variant has not been reported in the literature in individuals affected with MSH3-related conditions. An algorithm developed to predict the effect of missense changes on protein structure and function (PolyPhen-2) suggests that this variant is likely to be disruptive. In summary, the available evidence is currently insufficient to determine the role of this variant in disease. Therefore, it has been classified as a Variant of Uncertain Significance.